The following is an entry in ClinVar:

ClinVar aggregate classification (germline): Pathogenic (1 of 4 stars; one submission).

Conditions:
Ehlers-Danlos syndrome, dermatosparaxis type. Also called: EDS VIIC; Dermatosparaxis; Ehlers-Danlos syndrome, type VII, autosomal recessive. Identifiers: Orphanet 1901, MedGen C2700425, MONDO:0009161, OMIM 225410.

Submission:

Labcorp Genetics (formerly Invitae), Labcorp
Classification: Pathogenic for Ehlers-Danlos syndrome, dermatosparaxis type. Last evaluated: 2024-04-25. Review status: criteria provided, single submitter. Criteria: Invitae Variant Classification Sherloc (09022015). Collection method: clinical testing. Allele origin: germline.
Comment: This sequence change creates a premature translational stop signal (p.Leu221Serfs*26) in the ADAMTS2 gene. It is expected to result in an absent or disrupted protein product. Loss-of-function variants in ADAMTS2 are known to be pathogenic (PMID: 10417273). This variant is not present in population databases (gnomAD no frequency). This variant has not been reported in the literature in individuals affected with ADAMTS2-related conditions. For these reasons, this variant has been classified as Pathogenic.

Literature cited by the submitters: PubMed 10417273.

NM_014244.5(ADAMTS2):c.660del (p.Leu221fs)

Gene: ADAMTS2 (ADAM metallopeptidase with thrombospondin type 1 motif 2; minus strand). Cytogenetic location: 5q35.3.
Variant type: Deletion.
Coding change: c.660del on transcript NM_014244.5 (MANE Select); coding-DNA position 660, one base deleted (T; older notation c.660delT).
Protein change: p.Leu221fs; shifts the reading frame from leucine 221.
Molecular consequence: frameshift variant.
Genome position (GRCh38, 1-based): chr5:179,272,939, A deleted on the plus strand (T on the coding strand, the reverse complement: ADAMTS2 is on the minus strand). VCF-style (leftmost placement, unchanged base first): chr5-179272938-GA-G. GRCh37 (hg19) VCF-style: chr5-178699939-GA-G.
Other names: c.660del, p.Leu221fs (NM_021599.4); short protein forms L221fs.
Identifiers: ClinVar variation 3650907 (VCV003650907.2).